The following is an entry in ClinVar:

NM_024503.5(HIVEP3):c.2347G>A (p.Gly783Ser)

Gene: HIVEP3 (HIVEP zinc finger 3; minus strand). Cytogenetic location: 1p34.2.
Variant type: single nucleotide variant.
Coding change: c.2347G>A on transcript NM_024503.5 (MANE Select); coding-DNA position 2347, G replaced by A.
Protein change: p.Gly783Ser; replaces glycine 783 with serine.
Molecular consequence: missense variant.
Genome position (GRCh38, 1-based): chr1:41,582,451, C>T on the plus strand (G>A on the coding strand, the complement: HIVEP3 is on the minus strand). VCF-style: chr1-41582451-C-T. GRCh37 (hg19) VCF-style: chr1-42048122-C-T.
Other names: c.2347G>A, p.Gly783Ser (NM_001127714.3); short protein forms G783S.
Identifiers: ClinVar variation 3045732 (VCV003045732.2), dbSNP rs142043572, ClinGen allele CA798060.
Genomic context (GRCh38, chr1:41,582,451, plus strand): 5'-TGTGCTGGATGACAGAAATTTCTTTGGACGTTGTTCTCCTCTCCTTCCCTGATTCTGAAC[C>T]GGACCCTGGCTTGGGAGTCCTTGGCTGGAAGCCCGTGGGTCCCTCCAAGGAGGGCACTGA-3'
Protein context (NP_078779.2, residues 773-793): FQPRTPKPGS[Gly783Ser]SESGKERRTT

ClinVar aggregate classification (germline): Likely benign (0 of 4 stars; one submission).

Conditions:
HIVEP3-related disorder. Also called: HIVEP3-related condition.

Allele frequency attached by ClinVar (database versions not stated): ExAC 0.00039; ESP Exome Variant Server 0.00100; 1000 Genomes Project 30x 0.00109; 1000 Genomes Project 0.00120.
gnomAD v4.1: 315 of 1,614,070 alleles (0.02%); highest among the groups gnomAD compares: African/African-American, 0.26%; 1 homozygote.

Submission:

PreventionGenetics, part of Exact Sciences
Classification: Likely benign for HIVEP3-related condition. Last evaluated: 2022-07-08. Review status: no assertion criteria provided. Collection method: clinical testing. Allele origin: germline.
Comment: This variant is classified as likely benign based on ACMG/AMP sequence variant interpretation guidelines (Richards et al. 2015 PMID: 25741868, with internal and published modifications).